The following is an entry in ClinVar:

NM_005120.3(MED12):c.1101+8_1101+9insCC

Gene: MED12 (mediator complex subunit 12; plus strand). Cytogenetic location: Xq13.1.
Variant type: Insertion.
Coding change: c.1101+8_1101+9insCC on transcript NM_005120.3 (MANE Select); bases 8 to 9 of the intron after coding-DNA position 1101, CC inserted.
Molecular consequence: intron variant.
Genome position: GRCh38 VCF-style: chrX-71121823-A-ACC. GRCh37 (hg19) VCF-style: chrX-70341673-A-ACC.
Identifiers: ClinVar variation 511069 (VCV000511069.1), dbSNP rs1214824818, ClinGen allele CA658799780.

ClinVar aggregate classification (germline): Likely benign (1 of 4 stars; one submission).

Submission:

GeneDx
Classification: Likely benign. Last evaluated: 2017-07-24. Review status: criteria provided, single submitter. Criteria: GeneDx Variant Classification (06012015). Collection method: clinical testing. Allele origin: germline. Affected: yes.
Comment: This variant is considered likely benign or benign based on one or more of the following criteria: it is a conservative change, it occurs at a poorly conserved position in the protein, it is predicted to be benign by multiple in silico algorithms, and/or has population frequency not consistent with disease.